The following is an entry in ClinVar:

ClinVar aggregate classification (germline): Benign (0 of 4 stars; one submission).

Conditions:
E2F1-related disorder. Also called: E2F1-related condition.

Allele frequency attached by ClinVar (database versions not stated): ExAC 0.00161; 1000 Genomes Project 0.00339; 1000 Genomes Project 30x 0.00390; gnomAD 0.00457; ESP Exome Variant Server 0.00484; TOPMed 0.00514.
gnomAD v4.1: 1,460 of 1,613,974 alleles (0.09%); highest among the groups gnomAD compares: African/African-American, 1.5%; 9 homozygotes.

Submissions (5):

PreventionGenetics, part of Exact Sciences
Classification: Benign for E2F1-related condition. Last evaluated: 2019-06-18. Review status: no assertion criteria provided. Collection method: clinical testing. Allele origin: germline.
Comment: This variant is classified as benign based on ACMG/AMP sequence variant interpretation guidelines (Richards et al. 2015 PMID: 25741868, with internal and published modifications).

Dr. Peter K. Rogan Lab, Western University
No classification provided (evidence only). Condition: Familial cancer of breast. Review status: no classification provided. Collection method: in vitro. Allele origin: not applicable. Functional consequence: retained intron. Not counted in ClinVar's aggregate classification.

Dr. Peter K. Rogan Lab, Western University
No classification provided (evidence only). Condition: Acute myeloid leukemia. Review status: no classification provided. Collection method: in vitro. Allele origin: not applicable. Functional consequence: retained intron. Not counted in ClinVar's aggregate classification.

Dr. Peter K. Rogan Lab, Western University
No classification provided (evidence only). Condition: Uterine corpus endometrial carcinoma. Review status: no classification provided. Collection method: in vitro. Allele origin: not applicable. Functional consequence: retained intron. Not counted in ClinVar's aggregate classification.

Dr. Peter K. Rogan Lab, Western University
No classification provided (evidence only). Condition: Thymoma. Review status: no classification provided. Collection method: in vitro. Allele origin: not applicable. Functional consequence: retained intron. Not counted in ClinVar's aggregate classification.

NM_005225.3(E2F1):c.741G>A (p.Thr247=)

Gene: E2F1 (E2F transcription factor 1; minus strand). Cytogenetic location: 20q11.22.
Variant type: single nucleotide variant.
Coding change: c.741G>A on transcript NM_005225.3 (MANE Select); coding-DNA position 741, G replaced by A.
Protein change: p.Thr247=; no amino-acid change (threonine 247 retained).
Molecular consequence: synonymous variant.
Genome position (GRCh38, 1-based): chr20:33,677,525, C>T on the plus strand (G>A on the coding strand, the complement: E2F1 is on the minus strand). VCF-style: chr20-33677525-C-T. GRCh37 (hg19) VCF-style: chr20-32265331-C-T.
Other names: NC_000020.10:g.32265331C>T.
Identifiers: ClinVar variation 3037820 (VCV003037820.3), dbSNP rs35807460, ClinGen allele CA9818672.
Genomic context (GRCh38, chr20:33,677,525, plus strand): 5'-GGCTTTGATCACCATAACCATCTGCTCTGCAGGGTCTGCAATGCTACGAAGGTCCTGACA[C>T]GTCACGTAGGCCAGGGTTGGCAGAGTCAAGGACCACATGACCTTTGACTTCTAGGGGGTC-3'
Protein context (NP_005216.1, residues 237-257): DTDSQRLAYV[Thr247=]CQDLRSIADP